The following is an entry in ClinVar:

NM_001605.3(AARS1):c.97C>G (p.Pro33Ala)

Gene: AARS1 (alanyl-tRNA synthetase 1; minus strand). Cytogenetic location: 16q22.1.
Variant type: single nucleotide variant.
Coding change: c.97C>G on transcript NM_001605.3 (MANE Select); coding-DNA position 97, C replaced by G.
Protein change: p.Pro33Ala; replaces proline 33 with alanine.
Molecular consequence: missense variant.
Genome position (GRCh38, 1-based): chr16:70,282,667, G>C on the plus strand (C>G on the coding strand, the complement: AARS1 is on the minus strand). VCF-style: chr16-70282667-G-C. GRCh37 (hg19) VCF-style: chr16-70316570-G-C.
Other names: short protein forms P33A.
Identifiers: ClinVar variation 4687683 (VCV004687683.1).

ClinVar aggregate classification (germline): Uncertain significance (1 of 4 stars; one submission).

gnomAD v4.1: 5 of 1,614,166 alleles (0.00031%); highest among the groups gnomAD compares: South Asian, 0.0011%; no homozygotes.

Submission:

Women's Health and Genetics/Laboratory Corporation of America, LabCorp
Classification: Uncertain significance. Last evaluated: 2025-10-28. Review status: criteria provided, single submitter. Criteria: LabCorp Variant Classification Summary - May 2015. Collection method: clinical testing. Allele origin: germline.
Comment: Variant summary: AARS1 c.97C>G (p.Pro33Ala) results in a non-conservative amino acid change in the encoded protein sequence. Algorithms developed to predict the effect of missense changes on protein structure and function all suggest that this variant is likely to be disruptive. The variant allele was found at a frequency of 8e-06 in 251486 control chromosomes. The available data on variant occurrences in the general population are insufficient to allow any conclusion about variant significance. To our knowledge, no occurrence of c.97C>G in individuals affected with AARS1-related conditions and no experimental evidence demonstrating its impact on protein function have been reported. No submitters have cited clinical-significance assessments for this variant to ClinVar. Based on the evidence outlined above, the variant was classified as uncertain significance.